The following is an entry in ClinVar:

ClinVar aggregate classification (germline): Uncertain significance (1 of 4 stars; one submission).

Submission:

Labcorp Genetics (formerly Invitae), Labcorp
Classification: Uncertain significance. Last evaluated: 2024-09-14. Review status: criteria provided, single submitter. Criteria: Invitae Variant Classification Sherloc (09022015). Collection method: clinical testing. Allele origin: germline.
Comment: This sequence change replaces serine, which is neutral and polar, with lysine, which is basic and polar, at codon 181 of the SIAE protein (p.Ser181Lys). Information on the frequency of this variant in the gnomAD database is not available, as this variant may be reported differently in the database. This variant has not been reported in the literature in individuals affected with SIAE-related conditions. An algorithm developed to predict the effect of missense changes on protein structure and function (PolyPhen-2) suggests that this variant is likely to be tolerated. In summary, the available evidence is currently insufficient to determine the role of this variant in disease. Therefore, it has been classified as a Variant of Uncertain Significance.

NM_170601.5(SIAE):c.541_542delinsAA (p.Ser181Lys)

Gene: SIAE (sialic acid acetylesterase; minus strand). Cytogenetic location: 11q24.2.
Variant type: Indel.
Coding change: c.541_542delinsAA on transcript NM_170601.5 (MANE Select); coding-DNA positions 541 to 542, TC replaced by AA.
Protein change: p.Ser181Lys; replaces serine 181 with lysine.
Molecular consequence: missense variant.
Genome position (GRCh38, 1-based): chr11:124,654,657-124,654,658, GA replaced by TT on the plus strand (TC replaced by AA on the coding strand, the reverse complement: SIAE is on the minus strand). VCF-style: chr11-124654657-GA-TT. GRCh37 (hg19) VCF-style: chr11-124524553-GA-TT.
Other names: c.436_437delinsAA, p.Ser146Lys (NM_001199922.2); short protein forms S146K, S181K.
Identifiers: ClinVar variation 3692489 (VCV003692489.2).